The following is an entry in ClinVar:

ClinVar aggregate classification (germline): Uncertain significance. Review status: criteria provided, multiple submitters, no conflicts (2 of 4 stars). 2 submissions from 2 submitters: Uncertain significance (2). Last evaluated 2025-10-27.

Conditions:
Gastrointestinal stromal tumor. Also called: Gastrointestinal stromal tumor, somatic; Gastrointestinal stroma tumor. Identifiers: Orphanet 44890, MedGen C0238198, MeSH D046152, MONDO:0011719, OMIM 606764, HP:0100723.
Hereditary cancer-predisposing syndrome. Also called: Hereditary neoplastic syndrome; Neoplastic Syndromes, Hereditary; Hereditary Cancer Syndrome; Tumor predisposition. Identifiers: Orphanet 140162, MedGen C0027672, MeSH D009386, MONDO:0015356.

Allele frequency attached by ClinVar (database versions not stated): gnomAD exomes below 0.00001; ExAC 0.00001.
gnomAD v4.1: 1 of 1,613,944 alleles (0.000062%); highest among the groups gnomAD compares: Admixed American, 0.0017%; no homozygotes.

Submissions (2):

Ambry Genetics
Classification: Uncertain significance for Hereditary cancer-predisposing syndrome. Last evaluated: 2025-10-27. Review status: criteria provided, single submitter. Criteria: Ambry Variant Classification Scheme 2023. Collection method: clinical testing. Allele origin: germline.
Comment: The p.D975G variant (also known as c.2924A>G), located in coding exon 21 of the KIT gene, results from an A to G substitution at nucleotide position 2924. The aspartic acid at codon 975 is replaced by glycine, an amino acid with similar properties. This amino acid position is highly conserved in available vertebrate species. In addition, the in silico prediction for this alteration is inconclusive. Since supporting evidence is limited at this time, the clinical significance of this alteration remains unclear.

Labcorp Genetics (formerly Invitae), Labcorp
Classification: Uncertain significance for Gastrointestinal stromal tumor. Last evaluated: 2025-10-01. Review status: criteria provided, single submitter. Criteria: Invitae Variant Classification Sherloc (09022015). Collection method: clinical testing. Allele origin: germline.
Comment: This sequence change replaces aspartic acid, which is acidic and polar, with glycine, which is neutral and non-polar, at codon 975 of the KIT protein (p.Asp975Gly). This variant is present in population databases (rs768320570, gnomAD 0.003%). This variant has not been reported in the literature in individuals affected with KIT-related conditions. ClinVar contains an entry for this variant (Variation ID: 572308). An algorithm developed to predict the effect of missense changes on protein structure and function (PolyPhen-2) suggests that this variant is likely to be disruptive. In summary, the available evidence is currently insufficient to determine the role of this variant in disease. Therefore, it has been classified as a Variant of Uncertain Significance.

NM_000222.3(KIT):c.2924A>G (p.Asp975Gly)

Gene: KIT (KIT proto-oncogene, receptor tyrosine kinase; plus strand). Cytogenetic location: 4q12.
Variant type: single nucleotide variant.
Coding change: c.2924A>G on transcript NM_000222.3 (MANE Select); coding-DNA position 2924, A replaced by G.
Protein change: p.Asp975Gly; replaces aspartic acid 975 with glycine.
Molecular consequence: missense variant.
Genome position (GRCh38, 1-based): chr4:54,738,550, A>G. VCF-style: chr4-54738550-A-G. GRCh37 (hg19) VCF-style: chr4-55604716-A-G.
Other names: c.2912A>G, p.Asp971Gly (NM_001093772.2, NM_001385292.1); c.2927A>G, p.Asp976Gly (NM_001385284.1); c.2921A>G, p.Asp974Gly (NM_001385285.1); c.2909A>G, p.Asp970Gly (NM_001385286.1); c.2915A>G, p.Asp972Gly (NM_001385288.1); c.2924A>G, p.Asp975Gly (NM_001385290.1); short protein forms D975G, D971G, D970G, D972G, D974G, D976G.
Identifiers: ClinVar variation 572308 (VCV000572308.17), dbSNP rs768320570, ClinGen allele CA2923904.